The following is an entry in ClinVar:

ClinVar aggregate classification (germline): Uncertain significance (1 of 4 stars; one submission).

Allele frequency attached by ClinVar (database versions not stated): gnomAD 0.00001.
gnomAD v4.1: 4 of 1,612,902 alleles (0.00025%); highest among the groups gnomAD compares: African/African-American, 0.004%; no homozygotes.

Submission:

GeneDx
Classification: Uncertain significance. Last evaluated: 2022-06-03. Review status: criteria provided, single submitter. Criteria: GeneDx Variant Classification Process June 2021. Collection method: clinical testing. Allele origin: germline. Affected: yes.
Comment: Not observed at significant frequency in large population cohorts (gnomAD); In silico analysis supports that this missense variant does not alter protein structure/function; Has not been previously published as pathogenic or benign to our knowledge

NM_018896.5(CACNA1G):c.2018C>A (p.Ala673Asp)

Gene: CACNA1G (calcium voltage-gated channel subunit alpha1 G; plus strand). Cytogenetic location: 17q21.33.
Variant type: single nucleotide variant.
Coding change: c.2018C>A on transcript NM_018896.5 (MANE Select); coding-DNA position 2018, C replaced by A.
Protein change: p.Ala673Asp; replaces alanine 673 with aspartic acid.
Molecular consequence: missense variant. On other transcripts: non-coding transcript variant (5).
Genome position (GRCh38, 1-based): chr17:50,578,281, C>A. VCF-style: chr17-50578281-C-A. GRCh37 (hg19) VCF-style: chr17-48655642-C-A.
Other names: c.2018C>A, p.Ala673Asp (NM_001256324.2, NM_001256325.2, NM_001256326.2 and 24 more transcripts); short protein forms A673D.
Identifiers: ClinVar variation 1801917 (VCV001801917.1), dbSNP rs746313538, ClinGen allele CA400242742.
Genomic context (GRCh38, chr17:50,578,281, plus strand): 5'-CTTGCTTGAAAGCAGACAGTGGAGCCTGTGGTCCAGACAGCTGCCCCTACTGTGCCCGGG[C>A]CGGGGCAGGGGAGGTGGAGCTCGCCGACCGTGAAATGCCTGACTCAGACAGCGAGGCAGT-3'
Protein context (NP_061496.2, residues 663-683): GPDSCPYCAR[Ala673Asp]GAGEVELADR